The following is an entry in ClinVar:

NM_001184.4(ATR):c.6487A>C (p.Ile2163Leu)

Gene: ATR (ATR serine/threonine kinase; minus strand). Cytogenetic location: 3q23.
Variant type: single nucleotide variant.
Coding change: c.6487A>C on transcript NM_001184.4 (MANE Select); coding-DNA position 6487, A replaced by C.
Protein change: p.Ile2163Leu; replaces isoleucine 2163 with leucine.
Molecular consequence: missense variant.
Genome position (GRCh38, 1-based): chr3:142,469,402, T>G on the plus strand (A>C on the coding strand, the complement: ATR is on the minus strand). VCF-style: chr3-142469402-T-G. GRCh37 (hg19) VCF-style: chr3-142188244-T-G.
Other names: c.6295A>C, p.Ile2099Leu (NM_001354579.2); short protein forms I2099L, I2163L.
Identifiers: ClinVar variation 3462276 (VCV003462276.1).

ClinVar aggregate classification (germline): Uncertain significance (1 of 4 stars; one submission).

Conditions:
Inborn genetic diseases. Identifiers: MedGen C0950123, MeSH D030342.

Submission:

Ambry Genetics
Classification: Uncertain significance for Inborn genetic diseases. Last evaluated: 2024-06-26. Review status: criteria provided, single submitter. Criteria: Ambry Variant Classification Scheme 2023. Collection method: clinical testing. Allele origin: germline.
Comment: The p.I2163L variant (also known as c.6487A>C), located in coding exon 38 of the ATR gene, results from an A to C substitution at nucleotide position 6487. The isoleucine at codon 2163 is replaced by leucine, an amino acid with highly similar properties. This amino acid position is conserved. In addition, this alteration is predicted to be tolerated by in silico analysis. Based on the available evidence, the clinical significance of this variant remains unclear.